The following is an entry in ClinVar:

NM_001127511.3(APC):c.-177T>A

Gene: APC (APC regulator of Wnt signaling pathway; plus strand). Cytogenetic location: 5q22.2.
Variant type: single nucleotide variant.
Coding change: c.-177T>A on transcript NM_001127511.3; 177 bases upstream of the start codon, T replaced by A.
Molecular consequence: 5 prime UTR variant. On other transcripts: non-coding transcript variant (2).
Genome position (GRCh38, 1-based): chr5:112,707,541, T>A. VCF-style: chr5-112707541-T-A. GRCh37 (hg19) VCF-style: chr5-112043238-T-A.
Other names: c.-360T>A (NM_001354895.2, NM_001407447.1, NM_001407452.1 and 3 more transcripts); c.-177T>A (NM_001354897.2, NM_001354902.2, NM_001407446.1); c.-127T>A (NM_001407448.1, NM_001407450.1, NM_001407457.1 and 1 more transcripts); c.-151T>A (NM_001407453.1); c.-1395T>A (NM_001407470.1, NM_001407472.1).
Identifiers: ClinVar variation 469852 (VCV000469852.8), dbSNP rs1020491376, ClinGen allele CA658655885.

ClinVar aggregate classification (germline): Uncertain significance (1 of 4 stars; one submission).

Conditions:
Familial adenomatous polyposis 1 (FAP1). Also called: FAMILIAL ADENOMATOUS POLYPOSIS 1, ATTENUATED; POLYPOSIS, ADENOMATOUS INTESTINAL. Identifiers: MedGen C2713442, MONDO:0021056, OMIM 175100. Disease mechanism: loss of function.

Submission:

Labcorp Genetics (formerly Invitae), Labcorp
Classification: Uncertain significance for Familial adenomatous polyposis 1. Last evaluated: 2024-03-06. Review status: criteria provided, single submitter. Criteria: Invitae Variant Classification Sherloc (09022015). Collection method: clinical testing. Allele origin: germline.
Comment: This variant occurs in a non-coding region of the APC gene. It does not change the encoded amino acid sequence of the APC protein. This variant is not present in population databases (gnomAD no frequency). This variant has not been reported in the literature in individuals affected with APC-related conditions. ClinVar contains an entry for this variant (Variation ID: 469852). Experimental studies and prediction algorithms are not available or were not evaluated, and the functional significance of this variant is currently unknown. In summary, the available evidence is currently insufficient to determine the role of this variant in disease. Therefore, it has been classified as a Variant of Uncertain Significance.